The following is an entry in ClinVar:

NM_001723.7(DST):c.5949_5950del (p.Lys1984fs)

Gene: DST (dystonin; minus strand). Cytogenetic location: 6p12.1.
Variant type: Microsatellite.
Coding change: c.5949_5950del on transcript NM_001723.7 (MANE Plus Clinical); coding-DNA positions 5949 to 5950, 2 bases deleted (GA; older notation c.5949_5950delGA).
Protein change: p.Lys1984fs; shifts the reading frame from lysine 1984.
Molecular consequence: frameshift variant. On other transcripts: intron variant (10).
Genome position (GRCh38, 1-based): chr6:56,618,084-56,618,085, TC deleted on the plus strand (GA on the coding strand, the reverse complement: DST is on the minus strand); deleting any 2 consecutive bases within chr6:56,618,084-56,618,087 gives the same sequence; the c. name uses the placement nearest the transcript's 3' end. VCF-style (leftmost placement, unchanged base first): chr6-56618083-TTC-T. GRCh37 (hg19) VCF-style: chr6-56482881-TTC-T.
Other names: c.4831-3601_4831-3600del (NM_001144769.5); c.4930-3601_4930-3600del (NM_001374722.1, NM_001374736.1); c.4957-3601_4957-3600del (NM_001374734.1); c.4417-3601_4417-3600del (NM_001144770.2); c.4297-3601_4297-3600del (NM_001374730.1, NM_001386100.1, NM_183380.4 and 1 more transcripts); c.3319-3601_3319-3600del (NM_015548.5); short protein forms K1984fs.
Identifiers: ClinVar variation 1414183 (VCV001414183.6), dbSNP rs2152733577, ClinGen allele CA2580617272.

ClinVar aggregate classification (germline): Pathogenic (1 of 4 stars; one submission).

Conditions:
Hereditary sensory and autonomic neuropathy type 6. Also called: HSAN VI; Neuropathy, hereditary sensory and autonomic, type VI. Identifiers: Orphanet 314381, MedGen C3539003, MONDO:0013839, OMIM 614653.
Epidermolysis bullosa simplex 3, localized or generalized intermediate, with BP230 deficiency (EBS3). Also called: Epidermolysis bullosa simplex, autosomal recessive 2; Epidermolysis bullosa simplex due to BP230 deficiency. Identifiers: Orphanet 412181, MedGen C3809470, MONDO:0014180, OMIM 615425.

Submission:

Labcorp Genetics (formerly Invitae), Labcorp
Classification: Pathogenic for Epidermolysis bullosa simplex 3, localized or generalized intermediate, with BP230 deficiency; Hereditary sensory and autonomic neuropathy type 6. Last evaluated: 2021-10-27. Review status: criteria provided, single submitter. Criteria: Invitae Variant Classification Sherloc (09022015). Collection method: clinical testing. Allele origin: germline.
Comment: For these reasons, this variant has been classified as Pathogenic. This variant has not been reported in the literature in individuals affected with DST-related conditions. This variant is not present in population databases (gnomAD no frequency). This sequence change creates a premature translational stop signal (p.Lys1984Aspfs*10) in the DST gene. It is expected to result in an absent or disrupted protein product. Loss-of-function variants in DST are known to be pathogenic (PMID: 22522446, 25059916, 30371979).

Literature cited by the submitters: PubMed 22522446; PubMed 25059916; PubMed 30371979.